The following is an entry in ClinVar:

NM_001374736.1(DST):c.21995-9C>A

Gene: DST (dystonin; minus strand). Cytogenetic location: 6p12.1.
Variant type: single nucleotide variant.
Coding change: c.21995-9C>A on transcript NM_001374736.1 (MANE Select); 9 bases into the intron before coding-DNA position 21995, C replaced by A.
Molecular consequence: intron variant.
Genome position (GRCh38, 1-based): chr6:56,472,231, G>T on the plus strand (C>A on the coding strand, the complement: DST is on the minus strand). VCF-style: chr6-56472231-G-T. GRCh37 (hg19) VCF-style: chr6-56337029-G-T.
Other names: c.15638-9C>A (NM_001144769.5); c.21995-9C>A (NM_001374722.1); c.22022-9C>A (NM_001374734.1); c.15224-9C>A (NM_001144770.2); c.14777-9C>A (NM_001374730.1); c.15104-9C>A (NM_001386100.1, NM_183380.4); c.21035-9C>A (NM_001374729.1); c.14126-9C>A (NM_015548.5).
Identifiers: ClinVar variation 2109939 (VCV002109939.4), dbSNP rs2152399131, ClinGen allele CA2580075581.
Genomic context (GRCh38, chr6:56,472,231, plus strand): 5'-ATTTGTGTCTGTGACCCAGAGGGATACAAGCTTGATGCTGGAAAGCGTTTTCCTGTGAAG[G>T]TATAACTTCGGTTAGGATGGCAGTTTCCAGGGTGCTGAAATGTGTTAAGGCTTGACCTTT-3'

ClinVar aggregate classification (germline): Uncertain significance (1 of 4 stars; one submission).

Conditions:
Epidermolysis bullosa simplex 3, localized or generalized intermediate, with BP230 deficiency (EBS3). Also called: Epidermolysis bullosa simplex due to BP230 deficiency; Epidermolysis bullosa simplex, autosomal recessive 2. Identifiers: Orphanet 412181, MedGen C3809470, MONDO:0014180, OMIM 615425.
Hereditary sensory and autonomic neuropathy type 6. Also called: Neuropathy, hereditary sensory and autonomic, type VI; HSAN VI. Identifiers: Orphanet 314381, MedGen C3539003, MONDO:0013839, OMIM 614653.

Submission:

Labcorp Genetics (formerly Invitae), Labcorp
Classification: Uncertain significance for Epidermolysis bullosa simplex 3, localized or generalized intermediate, with BP230 deficiency; Hereditary sensory and autonomic neuropathy type 6. Last evaluated: 2022-09-19. Review status: criteria provided, single submitter. Criteria: Invitae Variant Classification Sherloc (09022015). Collection method: clinical testing. Allele origin: germline.
Comment: In summary, the available evidence is currently insufficient to determine the role of this variant in disease. Therefore, it has been classified as a Variant of Uncertain Significance. Experimental studies and prediction algorithms are not available or were not evaluated, and the effect of this variant on mRNA splicing is currently unknown. This variant has not been reported in the literature in individuals affected with DST-related conditions. This variant is not present in population databases (gnomAD no frequency). This sequence change falls in intron 74 of the DST gene. It does not directly change the encoded amino acid sequence of the DST protein. The DST gene has multiple clinically relevant transcripts. This variant occurs in alternate transcript NM_015548.4, and corresponds to NM_001723.5:c.*143286C>A in the primary transcript.